The following is an entry in ClinVar:

NM_001001671.4(MAP3K15):c.462G>T (p.Leu154Phe)

Gene: MAP3K15 (mitogen-activated protein kinase kinase kinase 15; minus strand). Cytogenetic location: Xp22.12.
Variant type: single nucleotide variant.
Coding change: c.462G>T on transcript NM_001001671.4 (MANE Select); coding-DNA position 462, G replaced by T.
Protein change: p.Leu154Phe; replaces leucine 154 with phenylalanine.
Molecular consequence: missense variant.
Genome position (GRCh38, 1-based): chrX:19,488,867, C>A on the plus strand (G>T on the coding strand, the complement: MAP3K15 is on the minus strand). VCF-style: chrX-19488867-C-A. GRCh37 (hg19) VCF-style: chrX-19506985-C-A.
Other names: short protein forms L154F.
Identifiers: ClinVar variation 2237635 (VCV002237635.3), dbSNP rs373501081, ClinGen allele CA10364339.

ClinVar aggregate classification (germline): Uncertain significance. Review status: criteria provided, multiple submitters, no conflicts (2 of 4 stars). 2 submissions from 2 submitters: Uncertain significance (2). Last evaluated 2023-07-27.

Conditions:
MAP3K15-related disorder. Also called: MAP3K15-related condition.

Allele frequency attached by ClinVar (database versions not stated): ExAC 0.00001; gnomAD 0.00014; ESP Exome Variant Server 0.00025; TOPMed 0.00026.
gnomAD v4.1: 51 of 1,197,495 alleles (0.0043%); highest among the groups gnomAD compares: African/African-American, 0.081%; no homozygotes.

Submissions (2):

PreventionGenetics, part of Exact Sciences
Classification: Uncertain significance for MAP3K15-related condition. Last evaluated: 2023-07-27. Review status: criteria provided, single submitter. Criteria: ACMG Guidelines, 2015. Collection method: clinical testing. Allele origin: germline.
Comment: The MAP3K15 c.462G>T variant is predicted to result in the amino acid substitution p.Leu154Phe. To our knowledge, this variant has not been reported in the literature. This variant is reported in 0.028% of alleles in individuals of African descent in gnomAD. At this time, the clinical significance of this variant is uncertain due to the absence of conclusive functional and genetic evidence.

Ambry Genetics
Classification: Uncertain significance. Last evaluated: 2021-07-14. Review status: criteria provided, single submitter. Criteria: Ambry Variant Classification Scheme 2023. Collection method: clinical testing. Allele origin: germline.